The following is an entry in ClinVar:

NM_014679.5(CEP57):c.254T>G (p.Leu85Arg)

Gene: CEP57 (centrosomal protein 57; plus strand). Cytogenetic location: 11q21.
Variant type: single nucleotide variant.
Coding change: c.254T>G on transcript NM_014679.5 (MANE Select); coding-DNA position 254, T replaced by G.
Protein change: p.Leu85Arg; replaces leucine 85 with arginine.
Molecular consequence: missense variant. On other transcripts: intron variant (3).
Genome position (GRCh38, 1-based): chr11:95,812,983, T>G. VCF-style: chr11-95812983-T-G. GRCh37 (hg19) VCF-style: chr11-95546147-T-G.
Other names: c.254T>G, p.Leu85Arg (NM_001243777.2, NM_001440871.1, NM_001440872.1 and 4 more transcripts); c.173T>G, p.Leu58Arg (NM_001363604.2, NM_001440869.1, NM_001440870.1 and 3 more transcripts); c.227T>G, p.Leu76Arg (NM_001243776.2); c.203-485T>G (NM_001440873.1, NM_001440881.1); c.122-485T>G (NM_001440880.1); short protein forms L58R, L76R, L85R.
Identifiers: ClinVar variation 4226363 (VCV004226363.1).
Genomic context (GRCh38, chr11:95,812,983, plus strand): 5'-ATTTGGCAGCCATATTTTCTGCTCTTAAGAATCTTCAAGATAAGATTCGACGCTTGGAAC[T>G]TGAGAGGATTCAGGCAGAAGAAAGTGTGAAAACCTTGTCTAGAGAAACAATTGAATATAA-3'
Protein context (NP_055494.2, residues 75-95): NLQDKIRRLE[Leu85Arg]ERIQAEESVK

ClinVar aggregate classification (germline): Uncertain significance (1 of 4 stars; one submission).

Conditions:
Inborn genetic diseases. Identifiers: MedGen C0950123, MeSH D030342.

Submission:

Ambry Genetics
Classification: Uncertain significance for Inborn genetic diseases. Last evaluated: 2025-08-01. Review status: criteria provided, single submitter. Criteria: Ambry Variant Classification Scheme 2023. Collection method: clinical testing. Allele origin: germline.
Comment: The p.L85R variant (also known as c.254T>G), located in coding exon 3 of the CEP57 gene, results from a T to G substitution at nucleotide position 254. The leucine at codon 85 is replaced by arginine, an amino acid with dissimilar properties. This amino acid position is conserved. In addition, this alteration is predicted to be deleterious by in silico analysis. Based on the available evidence, the clinical significance of this variant remains unclear.